The following is an entry in ClinVar:

NM_000719.7(CACNA1C):c.5654G>C (p.Arg1885Thr)

Genes: CACNA1C (calcium voltage-gated channel subunit alpha1 C; plus strand), CACNA1C-AS1 (CACNA1C antisense RNA 1; minus strand). Cytogenetic location: 12p13.33.
Variant type: single nucleotide variant.
Coding change: c.5654G>C on transcript NM_000719.7 (MANE Select); coding-DNA position 5654, G replaced by C.
Protein change: p.Arg1885Thr; replaces arginine 1885 with threonine.
Molecular consequence: missense variant.
Genome position (GRCh38, 1-based): chr12:2,685,816, G>C. VCF-style: chr12-2685816-G-C. GRCh37 (hg19) VCF-style: chr12-2794982-G-C.
Other names: c.5798G>C, p.Arg1933Thr (NM_001129827.2); c.5777G>C, p.Arg1926Thr (NM_001129829.2); c.5759G>C, p.Arg1920Thr (NM_001129830.3, NM_001167624.3); c.5738G>C, p.Arg1913Thr (NM_001129831.2); c.5714G>C, p.Arg1905Thr (NM_001129832.2); c.5711G>C, p.Arg1904Thr (NM_001129833.2, NM_001129834.2, NM_001129835.2); c.5705G>C, p.Arg1902Thr (NM_001129836.2); c.5678G>C, p.Arg1893Thr (NM_001129837.2, NM_001129838.2); and 6 more; short protein forms R1874T, R1891T, R1904T, R1913T, R1933T, R1893T, R1882T, R1885T.
Identifiers: ClinVar variation 2452662 (VCV002452662.2), dbSNP rs2534161578, ClinGen allele CA383382229.

ClinVar aggregate classification (germline): Uncertain significance (1 of 4 stars; one submission).

Conditions:
Cardiovascular phenotype. Identifiers: MedGen CN230736.

Submission:

Ambry Genetics
Classification: Uncertain significance for Cardiovascular phenotype. Last evaluated: 2022-12-29. Review status: criteria provided, single submitter. Criteria: Ambry Variant Classification Scheme 2023. Collection method: clinical testing. Allele origin: germline.
Comment: The p.R1885T variant (also known as c.5654G>C), located in coding exon 44 of the CACNA1C gene, results from a G to C substitution at nucleotide position 5654. The arginine at codon 1885 is replaced by threonine, an amino acid with similar properties. This amino acid position is not well conserved in available vertebrate species. In addition, this alteration is predicted to be tolerated by in silico analysis. Since supporting evidence is limited at this time, the clinical significance of this alteration remains unclear.